The following is an entry in ClinVar:

ClinVar aggregate classification (germline): Uncertain significance. Review status: criteria provided, multiple submitters, no conflicts (2 of 4 stars). 2 submissions from 2 submitters: Uncertain significance (2). Last evaluated 2024-03-09.

Conditions:
Gorlin syndrome. Also called: Basal cell nevus syndrome; Nevoid Basal Cell Carcinoma Syndrome. Identifiers: Orphanet 377, MedGen C0004779, MONDO:0007187.
Hereditary cancer-predisposing syndrome. Also called: Hereditary neoplastic syndrome; Tumor predisposition; Neoplastic Syndromes, Hereditary; Hereditary Cancer Syndrome. Identifiers: Orphanet 140162, MedGen C0027672, MeSH D009386, MONDO:0015356.

Allele frequency attached by ClinVar (database versions not stated): gnomAD exomes below 0.00001.
gnomAD v4.1: 4 of 1,613,310 alleles (0.00025%); highest among the groups gnomAD compares: Admixed American, 0.0017%; no homozygotes.

Submissions (2):

Ambry Genetics
Classification: Uncertain significance for Hereditary cancer-predisposing syndrome. Last evaluated: 2024-03-09. Review status: criteria provided, single submitter. Criteria: Ambry Variant Classification Scheme 2023. Collection method: clinical testing. Allele origin: germline.
Comment: The p.V114M variant (also known as c.340G>A), located in coding exon 2 of the PTCH1 gene, results from a G to A substitution at nucleotide position 340. The valine at codon 114 is replaced by methionine, an amino acid with highly similar properties. This amino acid position is conserved. In addition, this alteration is predicted to be deleterious by in silico analysis. Based on the available evidence, the clinical significance of this alteration remains unclear.

Labcorp Genetics (formerly Invitae), Labcorp
Classification: Uncertain significance for Gorlin syndrome. Last evaluated: 2022-05-09. Review status: criteria provided, single submitter. Criteria: Invitae Variant Classification Sherloc (09022015). Collection method: clinical testing. Allele origin: germline.
Comment: In summary, the available evidence is currently insufficient to determine the role of this variant in disease. Therefore, it has been classified as a Variant of Uncertain Significance. Algorithms developed to predict the effect of missense changes on protein structure and function are either unavailable or do not agree on the potential impact of this missense change (SIFT: "Tolerated"; PolyPhen-2: "Probably Damaging"; Align-GVGD: "Class C0"). ClinVar contains an entry for this variant (Variation ID: 958077). This variant has not been reported in the literature in individuals affected with PTCH1-related conditions. This variant is not present in population databases (gnomAD no frequency). This sequence change replaces valine, which is neutral and non-polar, with methionine, which is neutral and non-polar, at codon 114 of the PTCH1 protein (p.Val114Met).

NM_000264.5(PTCH1):c.340G>A (p.Val114Met)

Gene: PTCH1 (patched 1; minus strand). Cytogenetic location: 9q22.32.
Variant type: single nucleotide variant.
Coding change: c.340G>A on transcript NM_000264.5 (MANE Select); coding-DNA position 340, G replaced by A.
Protein change: p.Val114Met; replaces valine 114 with methionine.
Molecular consequence: missense variant. On other transcripts: 5 prime UTR variant (4), non-coding transcript variant (1).
Genome position (GRCh38, 1-based): chr9:95,506,461, C>T on the plus strand (G>A on the coding strand, the complement: PTCH1 is on the minus strand). VCF-style: chr9-95506461-C-T. GRCh37 (hg19) VCF-style: chr9-98268743-C-T.
Other names: c.142G>A, p.Val48Met (NM_001083602.3, NM_001354919.2); c.337G>A, p.Val113Met (NM_001083603.3); c.-114G>A (NM_001083604.3, NM_001083605.3, NM_001083606.3 and 1 more transcripts); c.340G>A, p.Val114Met (NM_001354918.2); short protein forms V114M, V48M, V113M.
Identifiers: ClinVar variation 958077 (VCV000958077.11), dbSNP rs1843653470, ClinGen allele CA374120244.